The following is an entry in ClinVar:

NM_001020658.2(PUM1):c.1974C>G (p.Ser658Arg)

Gene: PUM1 (pumilio RNA binding family member 1; minus strand). Cytogenetic location: 1p35.2.
Variant type: single nucleotide variant.
Coding change: c.1974C>G on transcript NM_001020658.2 (MANE Select); coding-DNA position 1974, C replaced by G.
Protein change: p.Ser658Arg; replaces serine 658 with arginine.
Molecular consequence: missense variant.
Genome position (GRCh38, 1-based): chr1:30,966,094, G>C on the plus strand (C>G on the coding strand, the complement: PUM1 is on the minus strand). VCF-style: chr1-30966094-G-C. GRCh37 (hg19) VCF-style: chr1-31438941-G-C.
Other names: c.1974C>G, p.Ser658Arg (NM_014676.3); short protein forms S658R.
Identifiers: ClinVar variation 1708722 (VCV001708722.2), dbSNP rs746993473, ClinGen allele CA339566196.

ClinVar aggregate classification (germline): Uncertain significance (1 of 4 stars; one submission).

Submission:

GeneDx
Classification: Uncertain significance. Last evaluated: 2022-04-06. Review status: criteria provided, single submitter. Criteria: GeneDx Variant Classification Process June 2021. Collection method: clinical testing. Allele origin: germline. Affected: yes.
Comment: Not observed at significant frequency in large population cohorts (gnomAD); In silico analysis supports that this missense variant does not alter protein structure/function; Has not been previously published as pathogenic or benign to our knowledge